The following is an entry in ClinVar:

NM_016343.4(CENPF):c.8161-1G>C

Gene: CENPF (centromere protein F; plus strand). Cytogenetic location: 1q41.
Variant type: single nucleotide variant.
Coding change: c.8161-1G>C on transcript NM_016343.4 (MANE Select); the canonical splice acceptor site of the intron before coding-DNA position 8161, G replaced by C.
Molecular consequence: splice acceptor variant.
Genome position (GRCh38, 1-based): chr1:214,652,827, G>C. VCF-style: chr1-214652827-G-C. GRCh37 (hg19) VCF-style: chr1-214826170-G-C.
Identifiers: ClinVar variation 3764558 (VCV003764558.1).

ClinVar aggregate classification (germline): Pathogenic (1 of 4 stars; one submission).

Conditions:
Stromme syndrome (STROMS). Also called: APPLE PEEL SYNDROME WITH MICROCEPHALY AND OCULAR ANOMALIES; Strømme Syndrome; Ciliary dyskinesia, primary, 31. Identifiers: Orphanet 444069, Orphanet 506307, MedGen C1855705, MONDO:0009477, OMIM 243605.

Submission:

Daryl Scott Lab, Baylor College of Medicine
Classification: Pathogenic for Stromme syndrome. Last evaluated: 2024-01-01. Review status: criteria provided, single submitter. Criteria: ACMG Guidelines, 2015. Collection method: clinical testing. Allele origin: paternal. Affected: yes. Observed: 1 heterozygote.
Comment: PVS1, PM2, PM3